The following is an entry in ClinVar:

NM_007294.4(BRCA1):c.5244T>G (p.Gly1748=)

Gene: BRCA1 (BRCA1 DNA repair associated; minus strand). Cytogenetic location: 17q21.31.
Variant type: single nucleotide variant.
Coding change: c.5244T>G on transcript NM_007294.4 (MANE Select); coding-DNA position 5244, T replaced by G.
Protein change: p.Gly1748=; no amino-acid change (glycine 1748 retained).
Molecular consequence: synonymous variant.
Genome position (GRCh38, 1-based): chr17:43,057,085, A>C on the plus strand (T>G on the coding strand, the complement: BRCA1 is on the minus strand). VCF-style: chr17-43057085-A-C. GRCh37 (hg19) VCF-style: chr17-41209102-A-C.
Other names: c.5100T>G, p.Gly1700= (NM_001407738.1, NM_001407739.1, NM_001407740.1 and 21 more transcripts); c.5097T>G, p.Gly1699= (NM_001407838.1, NM_001407839.1, NM_001407841.1 and 12 more transcripts); c.5244T>G, p.Gly1748= (NM_001407854.1, NM_001407593.1, NM_001407594.1 and 7 more transcripts); c.5241T>G, p.Gly1747= (NM_001407858.1, NM_001407859.1, NM_001407860.1 and 17 more transcripts); c.5238T>G, p.Gly1746= (NM_001407861.1, NM_001407627.1, NM_001407628.1 and 14 more transcripts); c.5043T>G, p.Gly1681= (NM_001407862.1); c.5040T>G, p.Gly1680= (NM_001407863.1); c.5037T>G, p.Gly1679= (NM_001407874.1, NM_001407875.1); and 72 more.
Identifiers: ClinVar variation 868220 (VCV000868220.3), dbSNP rs2051509086, ClinGen allele CA500144649.

Conditions:
Breast-ovarian cancer, familial, susceptibility to, 1 (BROVCA1). Also called: BRCA1 Hereditary Breast and Ovarian Cancer; OVARIAN CANCER, SUSCEPTIBILITY TO. Identifiers: Orphanet 145, MedGen C2676676, MONDO:0011450, OMIM 604370. Disease mechanism: loss of function.

Submission:

Brotman Baty Institute, University of Washington
No classification provided (evidence only). Condition: Breast-ovarian cancer, familial 1. Review status: no classification provided. Collection method: in vitro. Allele origin: not applicable. Functional consequence: functionally_normal.
ClinVar note: "not provided" was previously submitted as the classification for the variant. However, the classification appeared to be based only on an observation of functional data so it was converted to no classification on 2025-07-30.